The following is an entry in ClinVar:

NM_000059.4(BRCA2):c.5631del (p.Asn1877fs)

Gene: BRCA2 (BRCA2 DNA repair associated; plus strand). Cytogenetic location: 13q13.1.
Variant type: Deletion.
Coding change: c.5631del on transcript NM_000059.4 (MANE Select); coding-DNA position 5631, one base deleted (C; older notation c.5631delC).
Protein change: p.Asn1877fs; shifts the reading frame from asparagine 1877.
Molecular consequence: frameshift variant.
Genome position (GRCh38, 1-based): chr13:32,339,986, C deleted. VCF-style (leftmost placement, unchanged base first): chr13-32339985-AC-A. GRCh37 (hg19) VCF-style: chr13-32914122-AC-A.
Other names: 5859delC; c.5631delC (NM_000059.3).
Identifiers: ClinVar variation 37981 (VCV000037981.30), dbSNP rs397507357, ClinGen allele CA022753.

ClinVar aggregate classification (germline): Pathogenic. Review status: reviewed by expert panel (3 of 4 stars). 10 submissions from 10 submitters: Pathogenic (1). 9 of the submissions do not count toward it. Last evaluated 2016-09-08.

Conditions:
BRCA2-related cancer predisposition. Identifiers: MedGen CN377758, MONDO:0700269.
Hereditary cancer-predisposing syndrome. Also called: Tumor predisposition; Neoplastic Syndromes, Hereditary; Hereditary neoplastic syndrome; Hereditary Cancer Syndrome. Identifiers: Orphanet 140162, MedGen C0027672, MeSH D009386, MONDO:0015356.
Hereditary breast ovarian cancer syndrome. Also called: Hereditary breast and ovarian cancer; Hereditary breast and ovarian cancer syndrome (HBOC); Hereditary breast and/or ovarian cancer syndrome; Breast and ovarian cancer; Hereditary breast and ovarian cancer syndrome; BRCA1- and BRCA2-Associated Hereditary Breast and Ovarian Cancer. Identifiers: Orphanet 145, MedGen C0677776, MeSH D061325, MONDO:0003582. Disease mechanism: loss of function.
Breast-ovarian cancer, familial, susceptibility to, 2 (BROVCA2). Also called: BRCA2 Hereditary Breast and Ovarian Cancer. Identifiers: Orphanet 145, MedGen C2675520, MONDO:0012933, OMIM 612555. Disease mechanism: loss of function.
Familial cancer of breast. Also called: Hereditary breast cancer; BREAST CANCER, FAMILIAL; hereditary breast carcinoma. Identifiers: Orphanet 227535, MedGen C0346153, MONDO:0016419, OMIM 114480. Disease mechanism: loss of function.

Allele frequency attached by ClinVar (database versions not stated): gnomAD exomes below 0.00001; ExAC 0.00001.

Submissions (10):

Evidence-based Network for the Interpretation of Germline Mutant Alleles (ENIGMA)
Classification: Pathogenic for Breast-ovarian cancer, familial, susceptibility to, 2. Last evaluated: 2016-09-08. Review status: reviewed by expert panel. Criteria: ENIGMA BRCA1/2 Classification Criteria (2015). Collection method: curation. Allele origin: germline.
Comment: Variant allele predicted to encode a truncated non-functional protein.

Labcorp Genetics (formerly Invitae), Labcorp
Classification: Pathogenic for Hereditary breast ovarian cancer syndrome. Last evaluated: 2025-08-25. Review status: criteria provided, single submitter. Criteria: Invitae Variant Classification Sherloc (09022015). Collection method: clinical testing. Allele origin: germline. Not counted in ClinVar's aggregate classification.
Comment: This sequence change creates a premature translational stop signal (p.Asn1877Lysfs*32) in the BRCA2 gene. It is expected to result in an absent or disrupted protein product. Loss-of-function variants in BRCA2 are known to be pathogenic (PMID: 20104584). This variant is present in population databases (rs397507357, gnomAD 0.003%). This premature translational stop signal has been observed in individual(s) with breast cancer (PMID: 25371446). This variant is also known as c.5859delC. ClinVar contains an entry for this variant (Variation ID: 37981). For these reasons, this variant has been classified as Pathogenic.

Quest Diagnostics Nichols Institute San Juan Capistrano
Classification: Pathogenic. Last evaluated: 2025-01-09. Review status: criteria provided, single submitter. Criteria: Quest Diagnostics criteria. Collection method: clinical testing. Allele origin: unknown. Not counted in ClinVar's aggregate classification.
Comment: The BRCA2 c.5631del (p.Asn1877Lysfs*32) variant alters the translational reading frame of the BRCA2 mRNA and causes the premature termination of BRCA2 protein synthesis. This variant has been reported in the published literature in breast and/or ovarian cancer (PMIDs: 34413315 (2021), 31869745 (2020), 31454914 (2019), and 25371446 (2014)). The frequency of this variant in the general population (Genome Aggregation Database) is consistent with pathogenicity. Based on the available information, this variant is classified as pathogenic.

Ambry Genetics
Classification: Pathogenic for Hereditary cancer-predisposing syndrome. Last evaluated: 2024-11-26. Review status: criteria provided, single submitter. Criteria: Ambry Variant Classification Scheme 2023. Collection method: clinical testing. Allele origin: germline. Not counted in ClinVar's aggregate classification.
Comment: The c.5631delC pathogenic mutation, located in coding exon 10 of the BRCA2 gene, results from a deletion of one nucleotide at nucleotide position 5631, causing a translational frameshift with a predicted alternate stop codon (p.N1877Kfs*32). This alteration has been identified in individuals diagnosed with breast and/or ovarian cancer (Torres-Mej&iacute;a G et al. Cancer Epidemiol. Biomarkers Prev. 2015 Mar;24(3):498-505; Millan Catalan O et al. Cancers (Basel), 2019 Aug;11:; Gallardo-Rinc&oacute;n D et al. Transl Oncol, 2020 Feb;13:212-220). Of note, this alteration is also designated as 5859delC in published literature. In addition to the clinical data presented in the literature, this alteration is expected to result in loss of function by premature protein truncation or nonsense-mediated mRNA decay. As such, this alteration is interpreted as a disease-causing mutation.

All of Us Research Program, National Institutes of Health
Classification: Pathogenic for BRCA2-related cancer predisposition. Last evaluated: 2024-09-16. Review status: criteria provided, single submitter. Criteria: ACMG Guidelines, 2015. Collection method: clinical testing. Allele origin: germline. Inheritance: Autosomal dominant inheritance. Observed: 1 variant allele, 1 heterozygote. Not counted in ClinVar's aggregate classification.
Comment: This variant deletes 1 nucleotide in exon 11 of the BRCA2 gene, creating a frameshift and premature translation stop signal. This variant is expected to result in an absent or non-functional protein product. This variant has been reported in individuals affected with breast or ovarian cancer (PMID: 25371446, 31454914, 31869745; Color internal data). This variant has been identified in 1/248274 chromosomes in the general population by the Genome Aggregation Database (gnomAD). Loss of BRCA2 function is a known mechanism of disease. Based on the available evidence, this variant is classified as Pathogenic.

This study involves interpretation of variants in research participants for the purpose of population health screening. Participant phenotype was not available at the time of variant classification. Additional details can be found in publication PMID: 35346344, PMCID: PMC8962531

GeneDx
Classification: Pathogenic. Last evaluated: 2024-08-20. Review status: criteria provided, single submitter. Criteria: GeneDx Variant Classification Process June 2021. Collection method: clinical testing. Allele origin: germline. Affected: yes. Not counted in ClinVar's aggregate classification.
Comment: Frameshift variant predicted to result in protein truncation or nonsense mediated decay in a gene for which loss of function is a known mechanism of disease; Observed in individuals with a personal and/or family history of breast or ovarian cancer (PMID: 28888541, 31454914, 25371446); Not observed at significant frequency in large population cohorts (gnomAD); Truncating variants in this gene are considered pathogenic by a well-established clinical consortium and/or database; Also known as 5859delC; This variant is associated with the following publications: (PMID: 26295337, 30720243, 30630528, 31454914, 34413315, 29922827, 28888541, 25371446)

Color Diagnostics, LLC DBA Color Health
Classification: Pathogenic for Hereditary cancer-predisposing syndrome. Last evaluated: 2024-07-02. Review status: criteria provided, single submitter. Criteria: ACMG Guidelines, 2015. Collection method: clinical testing. Allele origin: germline. Not counted in ClinVar's aggregate classification.
Comment: This variant deletes 1 nucleotide in exon 11 of the BRCA2 gene, creating a frameshift and premature translation stop signal. This variant is expected to result in an absent or non-functional protein product. This variant has been reported in individuals affected with breast or ovarian cancer (PMID: 25371446, 31454914, 31869745; Color internal data). This variant has been identified in 1/248274 chromosomes in the general population by the Genome Aggregation Database (gnomAD). Loss of BRCA2 function is a known mechanism of disease. Based on the available evidence, this variant is classified as Pathogenic.

Baylor Genetics
Classification: Pathogenic for Familial cancer of breast. Last evaluated: 2023-09-21. Review status: criteria provided, single submitter. Criteria: ACMG Guidelines, 2015. Collection method: clinical testing. Allele origin: unknown. Not counted in ClinVar's aggregate classification.

Counsyl
Classification: Likely pathogenic for Breast-ovarian cancer, familial, susceptibility to, 2. Last evaluated: 2016-02-19. Review status: no assertion criteria provided. Collection method: clinical testing. Allele origin: unknown. Not counted in ClinVar's aggregate classification.

Sharing Clinical Reports Project (SCRP)
Classification: Pathogenic for Breast-ovarian cancer, familial 2. Last evaluated: 2010-09-14. Review status: no assertion criteria provided. Collection method: clinical testing. Allele origin: germline. Not counted in ClinVar's aggregate classification.

Literature cited by the submitters: PubMed 20104584 (cited by Labcorp Genetics (formerly Invitae), Labcorp); PubMed 25371446 (cited by 6 submitters); PubMed 34413315 (cited by Quest Diagnostics Nichols Institute San Juan Capistrano); PubMed 31869745 (cited by 4 submitters); PubMed 30630528 (cited by Quest Diagnostics Nichols Institute San Juan Capistrano); PubMed 31454914 (cited by 4 submitters); PubMed 30720243 (cited by Quest Diagnostics Nichols Institute San Juan Capistrano); PubMed 26295337 (cited by Quest Diagnostics Nichols Institute San Juan Capistrano).